The following is an entry in ClinVar:

ClinVar aggregate classification (germline): Pathogenic (1 of 4 stars; one submission).

Conditions:
Borjeson-Forssman-Lehmann syndrome (BFLS). Also called: MENTAL RETARDATION, X-LINKED, SYNDROMIC, BORJESON-FORSSMAN-LEHMANN TYPE; MENTAL RETARDATION, EPILEPSY, AND ENDOCRINE DISORDERS; BORJESON SYNDROME. Identifiers: Orphanet 127, MedGen C0265339, MONDO:0010537, OMIM 301900.

Submission:

3billion
Classification: Pathogenic for Borjeson-Forssman-Lehmann syndrome. Last evaluated: 2021-10-02. Review status: criteria provided, single submitter. Criteria: ACMG Guidelines, 2015. Collection method: clinical testing. Allele origin: germline. Affected: yes. Observed: 1 heterozygote.
Comment: Stop-gained (nonsense): predicted to result in a loss or disruption of normal protein function through nonsense-mediated decay (NMD) or protein truncation. Multiple pathogenic variants are reported downstream of the variant (PVS1_VS). The variant was observed as assumed (i.e. paternity and maternity not confirmed) de novoo (3billion dataset, PM6). It is not observed in the gnomAD v2.1.1 dataset (PM2). Therefore, this variant is classified as pathogenic according to the recommendation of ACMG/AMP guideline.

NM_001015877.2(PHF6):c.415G>T (p.Glu139Ter)

Gene: PHF6 (PHD finger protein 6; plus strand). Cytogenetic location: Xq26.2.
Variant type: single nucleotide variant.
Coding change: c.415G>T on transcript NM_001015877.2 (MANE Select); coding-DNA position 415, G replaced by T.
Protein change: p.Glu139Ter; replaces glutamic acid 139 with a stop codon.
Molecular consequence: nonsense.
Genome position (GRCh38, 1-based): chrX:134,393,949, G>T. VCF-style: chrX-134393949-G-T. GRCh37 (hg19) VCF-style: chrX-133527979-G-T.
Other names: c.415G>T, p.Glu139Ter (NM_032335.3, NM_032458.3); short protein forms E139*.
Identifiers: ClinVar variation 1320220 (VCV001320220.1), dbSNP rs770811341, ClinGen allele CA414711997.